The following is an entry in ClinVar:

ClinVar aggregate classification (germline): Uncertain significance (1 of 4 stars; one submission).

Conditions:
Familial sleep-related hypermotor epilepsy. Also called: Autosomal Dominant Sleep-Related Hypermotor (Hyperkinetic) Epilepsy. Identifiers: Orphanet 98784, MedGen C3696898, MONDO:0000030.

Submission:

Labcorp Genetics (formerly Invitae), Labcorp
Classification: Uncertain significance. Last evaluated: 2023-02-16. Review status: criteria provided, single submitter. Criteria: Invitae Variant Classification Sherloc (09022015). Collection method: clinical testing. Allele origin: germline.
Comment: This variant has not been reported in the literature in individuals affected with CHRNA4-related conditions. Experimental studies and prediction algorithms are not available or were not evaluated, and the functional significance of this variant is currently unknown. ClinVar contains an entry for this variant (Variation ID: 577933). This variant has been observed in at least one individual who was not affected with CHRNA4-related conditions (Invitae). The frequency data for this variant in the population databases is considered unreliable, as metrics indicate poor data quality at this position in the gnomAD database. This variant, c.29_43dup, results in the insertion of 5 amino acid(s) of the CHRNA4 protein (p.Arg10_Pro14dup), but otherwise preserves the integrity of the reading frame. In summary, the available evidence is currently insufficient to determine the role of this variant in disease. Therefore, it has been classified as a Variant of Uncertain Significance.

NM_000744.7(CHRNA4):c.29_43dup (p.Arg10_Pro14dup)

Genes: CHRNA4 (cholinergic receptor nicotinic alpha 4 subunit; minus strand), LOC100130587 (uncharacterized LOC100130587; plus strand). Cytogenetic location: 20q13.33.
Variant type: Duplication.
Coding change: c.29_43dup on transcript NM_000744.7 (MANE Select); coding-DNA positions 29 to 43, 15 bases duplicated (GGCTGCTGCCGCCGC).
Protein change: p.Arg10_Pro14dup.
Molecular consequence: inframe insertion. On other transcripts: non-coding transcript variant (1), intron variant (1).
Genome position (GRCh38, 1-based): chr20:63,361,123-63,361,137, GCGGCGGCAGCAGCC duplicated on the plus strand (GGCTGCTGCCGCCGC on the coding strand, the reverse complement: CHRNA4 is on the minus strand); duplicating any 15 consecutive bases within chr20:63,361,123-63,361,143 gives the same sequence; the c. name uses the placement nearest the transcript's 3' end. VCF-style (leftmost placement, unchanged base first): chr20-63361122-A-AGCGGCGGCAGCAGCC. GRCh37 (hg19) VCF-style: chr20-61992474-A-AGCGGCGGCAGCAGCC.
Other names: c.-471+40_-471+54dup (NM_001256573.2).
Identifiers: ClinVar variation 577933 (VCV000577933.10), dbSNP rs777630161, ClinGen allele CA9958003.
Genomic context (GRCh38, chr20:63,361,122, plus strand): 5'-GGGGCCCATCCCGCGCCCCGTAACTTACCGCGCAGGAGGCCGGTCCCCAGAAGCAGCAGC[A>AGCGGCGGCAGCAGCC]GCGGCGGCAGCAGCCGCGGCGCTCCGGGGCCCCCTAGCTCCATGGCGCACGCACCTCGCG-3'